The following is an entry in ClinVar:

ClinVar aggregate classification (germline): Uncertain significance (1 of 4 stars; one submission).

Conditions:
Ehlers-Danlos syndrome, type 4 (EDSVASC). Also called: Ehlers-Danlos syndrome vascular type; Ehlers Danlos syndrome, ecchymotic type; Ehlers Danlos syndrome, arterial type; Ehlers Danlos syndrome, Sack-Barabas type; Ehlers-Danlos Syndrome Type IV. Identifiers: Orphanet 286, MedGen C0268338, MONDO:0017314, OMIM 130050.

gnomAD v4.1: 1 of 1,614,154 alleles (0.000062%); highest among the groups gnomAD compares: Non-Finnish European, 0.000085%; no homozygotes.

Submission:

Labcorp Genetics (formerly Invitae), Labcorp
Classification: Uncertain significance for Ehlers-Danlos syndrome, type 4. Last evaluated: 2025-12-17. Review status: criteria provided, single submitter. Criteria: Invitae Variant Classification Sherloc (09022015). Collection method: clinical testing. Allele origin: germline.
Comment: This sequence change replaces proline, which is neutral and non-polar, with glutamine, which is neutral and polar, at codon 1224 of the COL3A1 protein (p.Pro1224Gln). This variant is not present in population databases (gnomAD no frequency). This variant has not been reported in the literature in individuals affected with COL3A1-related conditions. Invitae Evidence Modeling of protein sequence and biophysical properties (such as structural, functional, and spatial information, amino acid conservation, physicochemical variation, residue mobility, and thermodynamic stability) indicates that this missense variant is not expected to disrupt COL3A1 protein function with a negative predictive value of 95%. In summary, the available evidence is currently insufficient to determine the role of this variant in disease. Therefore, it has been classified as a Variant of Uncertain Significance.

NM_000090.4(COL3A1):c.3671C>A (p.Pro1224Gln)

Gene: COL3A1 (collagen type III alpha 1 chain; plus strand). Cytogenetic location: 2q32.2.
Variant type: single nucleotide variant.
Coding change: c.3671C>A on transcript NM_000090.4 (MANE Select); coding-DNA position 3671, C replaced by A.
Protein change: p.Pro1224Gln; replaces proline 1224 with glutamine.
Molecular consequence: missense variant.
Genome position (GRCh38, 1-based): chr2:189,009,069, C>A. VCF-style: chr2-189009069-C-A. GRCh37 (hg19) VCF-style: chr2-189873795-C-A.
Other names: short protein forms P1224Q.
Identifiers: ClinVar variation 4800333 (VCV004800333.1).